The following is an entry in ClinVar:

NM_004380.3(CREBBP):c.6991C>T (p.Pro2331Ser)

Gene: CREBBP (CREB binding lysine acetyltransferase; minus strand). Cytogenetic location: 16p13.3.
Variant type: single nucleotide variant.
Coding change: c.6991C>T on transcript NM_004380.3 (MANE Select); coding-DNA position 6991, C replaced by T.
Protein change: p.Pro2331Ser; replaces proline 2331 with serine.
Molecular consequence: missense variant.
Genome position (GRCh38, 1-based): chr16:3,728,056, G>A on the plus strand (C>T on the coding strand, the complement: CREBBP is on the minus strand). VCF-style: chr16-3728056-G-A. GRCh37 (hg19) VCF-style: chr16-3778057-G-A.
Other names: c.6877C>T, p.Pro2293Ser (NM_001079846.1); short protein forms P2293S, P2331S.
Identifiers: ClinVar variation 4076924 (VCV004076924.1).

ClinVar aggregate classification (germline): Uncertain significance (1 of 4 stars; one submission).

Submission:

GeneDx
Classification: Uncertain significance. Last evaluated: 2025-02-25. Review status: criteria provided, single submitter. Criteria: GeneDx Variant Classification Process June 2021. Collection method: clinical testing. Allele origin: germline. Affected: yes.
Comment: Not observed at significant frequency in large population cohorts (gnomAD); In silico analysis indicates that this missense variant does not alter protein structure/function; Has not been previously published as pathogenic or benign to our knowledge